The following is an entry in ClinVar:

ClinVar aggregate classification (germline): Pathogenic/Likely pathogenic. Review status: criteria provided, multiple submitters, no conflicts (2 of 4 stars). 6 submissions from 6 submitters: Pathogenic (3); Likely pathogenic (1). 2 of the submissions do not count toward it. Last evaluated 2026-03-01.

Conditions:
Charcot-Marie-Tooth disease. Also called: Charcot-Marie-Tooth Hereditary Neuropathy; Charcot-Marie-Tooth Neuropathy. Identifiers: Orphanet 166, MedGen C0007959, MONDO:0015626.
Inborn genetic diseases. Identifiers: MedGen C0950123, MeSH D030342.
Charcot-Marie-Tooth disease type 4. Also called: Charcot-Marie-Tooth, Type 4; Charcot-Marie-Tooth disease, type IV. Identifiers: Orphanet 64749, MedGen C4082197, MONDO:0018995.
Charcot-Marie-Tooth disease type 4J (CMT4J). Also called: Charcot-Marie-Tooth Neuropathy Type 4J; CHARCOT-MARIE-TOOTH DISEASE, DEMYELINATING, TYPE 4J; CHARCOT-MARIE-TOOTH DISEASE, AUTOSOMAL RECESSIVE, TYPE 4J. Identifiers: Orphanet 139515, MedGen C1970011, MONDO:0012640, OMIM 611228.

Submissions (6):

CeGaT Center for Human Genetics Tuebingen
Classification: Pathogenic. Last evaluated: 2026-03-01. Review status: criteria provided, single submitter. Criteria: CeGaT Center For Human Genetics Tuebingen Variant Classification Criteria Version 2. Collection method: clinical testing. Allele origin: germline. Affected: yes. Observed: 2 variant alleles.
Comment: FIG4: PVS1, PM2

Labcorp Genetics (formerly Invitae), Labcorp
Classification: Pathogenic for Charcot-Marie-Tooth disease type 4. Last evaluated: 2024-06-03. Review status: criteria provided, single submitter. Criteria: Invitae Variant Classification Sherloc (09022015). Collection method: clinical testing. Allele origin: germline.
Comment: This sequence change creates a premature translational stop signal (p.Glu767Glyfs*17) in the FIG4 gene. It is expected to result in an absent or disrupted protein product. Loss-of-function variants in FIG4 are known to be pathogenic (PMID: 23623387, 30740813). This variant is present in population databases (no rsID available, gnomAD 0.003%). This premature translational stop signal has been observed in individual(s) with clinical features of FIG4-related conditions (PMID: 25614874). ClinVar contains an entry for this variant (Variation ID: 637500). For these reasons, this variant has been classified as Pathogenic.

GeneDx
Classification: Likely pathogenic. Last evaluated: 2023-09-10. Review status: criteria provided, single submitter. Criteria: GeneDx Variant Classification Process June 2021. Collection method: clinical testing. Allele origin: germline. Affected: yes.
Comment: Has been reported in the published literature in a large cohort of individuals with clinical features of CMT tested at a commercial laboratory; however clinical details or segregation information was not specified in this report (DiVincenzo et al., 2014); Frameshift variant predicted to result in protein truncation or nonsense mediated decay in a gene for which loss of function is a known mechanism of disease; Not observed at significant frequency in large population cohorts (gnomAD); This variant is associated with the following publications: (PMID: 23623387, 34899148, 25614874)

Ambry Genetics
Classification: Pathogenic for Inborn genetic diseases. Last evaluated: 2019-09-24. Review status: criteria provided, single submitter. Criteria: Ambry Variant Classification Scheme 2023. Collection method: clinical testing. Allele origin: germline.
Comment: The c.2299dupG variant, located in coding exon 20 of the FIG4 gene, results from a duplication of G at nucleotide position 2299, causing a translational frameshift with a predicted alternate stop codon (p.E767Gfs*17). This alteration has been observed from a cohort of patients referred for Charcot-Marie-Tooth disease genetic testing, but information on the second alteration and clinical features were not available (DiVincenzo C et al. Mol Genet Genomic Med, 2014 Nov;2:522-9). In addition to the clinical data presented in the literature, this alteration is expected to result in loss of function by premature protein truncation or nonsense-mediated mRNA decay. As such, this alteration is interpreted as a disease-causing mutation.

Inherited Neuropathy Consortium Ii, University Of Miami
Classification: Uncertain significance for Charcot-Marie-Tooth disease type 4J. Last evaluated: 2016-01-06. Review status: no assertion criteria provided. Collection method: literature only. Allele origin: germline. Affected: yes. Not counted in ClinVar's aggregate classification.

Inherited Neuropathy Consortium
Classification: Pathogenic for Charcot-Marie-Tooth disease. Review status: no assertion criteria provided. Collection method: literature only. Allele origin: germline. Affected: yes. Not counted in ClinVar's aggregate classification.

Literature cited by the submitters: PubMed 23623387 (cited by Labcorp Genetics (formerly Invitae), Labcorp); PubMed 30740813 (cited by Labcorp Genetics (formerly Invitae), Labcorp); PubMed 25614874 (cited by 4 submitters).

NM_014845.6(FIG4):c.2299dup (p.Glu767fs)

Gene: FIG4 (FIG4 phosphoinositide 5-phosphatase; plus strand). Cytogenetic location: 6q21.
Variant type: Duplication.
Coding change: c.2299dup on transcript NM_014845.6 (MANE Select); coding-DNA position 2299, one base duplicated (G; older notation c.2299dupG).
Protein change: p.Glu767fs; shifts the reading frame from glutamic acid 767.
Molecular consequence: frameshift variant.
Genome position (GRCh38, 1-based): chr6:109,791,494, G duplicated; the last of 3 consecutive G bases (chr6:109,791,492-109,791,494); duplicating any one gives the same sequence. VCF-style (leftmost placement, unchanged base first): chr6-109791491-C-CG. GRCh37 (hg19) VCF-style: chr6-110112694-C-CG.
Other names: c.2299dup (NM_014845.5); c.2299dupG (NM_014845.5); short protein forms E767fs.
Identifiers: ClinVar variation 637500 (VCV000637500.19), dbSNP rs1191997383, ClinGen allele CA570036227.
Genomic context (GRCh38, chr6:109,791,491, plus strand): 5'-CCGCCGCCCCCCAGCGAGGAGGCTGTGTCCAGCAGCTCTGAGGATGACTCTGGGACTGAT[C>CG]GGGAAGAAGAGGGCTCTGTGTCTCAGCGCTCCACTCCCGTGAAGATGACTGATGCAGGAG-3'